The following is an entry in ClinVar:

ClinVar aggregate classification (germline): Uncertain significance (1 of 4 stars; one submission).

Submission:

Women's Health and Genetics/Laboratory Corporation of America, LabCorp
Classification: Uncertain significance. Last evaluated: 2024-01-23. Review status: criteria provided, single submitter. Criteria: LabCorp Variant Classification Summary - May 2015. Collection method: clinical testing. Allele origin: germline.
Comment: Variant summary: NIPBL c.6589+8dupT alters a conserved nucleotide located close to a canonical splice site and therefore could affect mRNA splicing, leading to a significantly altered protein sequence. Consensus agreement among computation tools predict no significant impact on normal splicing. However, these predictions have yet to be confirmed by functional studies. The variant was absent in 249246 control chromosomes (gnomAD). The available data on variant occurrences in the general population are insufficient to allow any conclusion about variant significance. To our knowledge, no occurrence of c.6589+8dupT in individuals affected with Cornelia De Lange Syndrome 1 and no experimental evidence demonstrating its impact on protein function have been reported. No submitters have cited clinical-significance assessments for this variant to ClinVar. Based on the evidence outlined above, the variant was classified as uncertain significance.

NM_133433.4(NIPBL):c.6589+8dup

Gene: NIPBL (NIPBL cohesin loading factor; plus strand). Cytogenetic location: 5p13.2.
Variant type: Duplication.
Coding change: c.6589+8dup on transcript NM_133433.4 (MANE Select); 8 bases into the intron after coding-DNA position 6589, one base duplicated (T; older notation c.6589+8dupT).
Molecular consequence: intron variant.
Genome position (GRCh38, 1-based): chr5:37,046,207, T duplicated. VCF-style (leftmost placement, unchanged base first): chr5-37046206-C-CT. GRCh37 (hg19) VCF-style: chr5-37046308-C-CT.
Other names: c.6589+8dup (NM_015384.5); c.6589+8dupT (NM_133433.4).
Identifiers: ClinVar variation 3063661 (VCV003063661.1), dbSNP rs2478598158, ClinGen allele CA2673581802.